The following is an entry in ClinVar:

NM_144687.4(NLRP12):c.2213G>T (p.Arg738Ile)

Gene: NLRP12 (NLR family pyrin domain containing 12; minus strand). Cytogenetic location: 19q13.42.
Variant type: single nucleotide variant.
Coding change: c.2213G>T on transcript NM_144687.4 (MANE Select); coding-DNA position 2213, G replaced by T.
Protein change: p.Arg738Ile; replaces arginine 738 with isoleucine.
Molecular consequence: missense variant.
Genome position (GRCh38, 1-based): chr19:53,807,525, C>A on the plus strand (G>T on the coding strand, the complement: NLRP12 is on the minus strand). VCF-style: chr19-53807525-C-A. GRCh37 (hg19) VCF-style: chr19-54310779-C-A.
Other names: c.2216G>T, p.Arg739Ile (NM_001277126.2); c.2213G>T, p.Arg738Ile (NM_001277129.1); short protein forms R738I, R739I.
Identifiers: ClinVar variation 650866 (VCV000650866.9), dbSNP rs560050058, ClinGen allele CA9639187.

ClinVar aggregate classification (germline): Uncertain significance (1 of 4 stars; one submission).

Conditions:
Familial cold autoinflammatory syndrome 2 (FCAS2). Identifiers: Orphanet 247868, MedGen C2673198, MONDO:0012724, OMIM 611762.

Allele frequency attached by ClinVar (database versions not stated): gnomAD 0.00001; gnomAD exomes 0.00001; ExAC 0.00003; 1000 Genomes Project 30x 0.00016; 1000 Genomes Project 0.00020.

Submission:

Labcorp Genetics (formerly Invitae), Labcorp
Classification: Uncertain significance for Familial cold autoinflammatory syndrome 2. Last evaluated: 2022-11-07. Review status: criteria provided, single submitter. Criteria: Invitae Variant Classification Sherloc (09022015). Collection method: clinical testing. Allele origin: germline.
Comment: This sequence change replaces arginine, which is basic and polar, with isoleucine, which is neutral and non-polar, at codon 738 of the NLRP12 protein (p.Arg738Ile). In summary, the available evidence is currently insufficient to determine the role of this variant in disease. Therefore, it has been classified as a Variant of Uncertain Significance. Algorithms developed to predict the effect of missense changes on protein structure and function are either unavailable or do not agree on the potential impact of this missense change (SIFT: "Deleterious"; PolyPhen-2: "Possibly Damaging"; Align-GVGD: "Class C0"). ClinVar contains an entry for this variant (Variation ID: 650866). This missense change has been observed in individual(s) with clinical features of NLRP12-related conditions (Invitae). This variant is present in population databases (rs560050058, gnomAD 0.01%).